The following is an entry in ClinVar:

NM_001374736.1(DST):c.15356C>T (p.Ala5119Val)

Gene: DST (dystonin; minus strand). Cytogenetic location: 6p12.1.
Variant type: single nucleotide variant.
Coding change: c.15356C>T on transcript NM_001374736.1 (MANE Select); coding-DNA position 15356, C replaced by T.
Protein change: p.Ala5119Val; replaces alanine 5119 with valine.
Molecular consequence: missense variant.
Genome position (GRCh38, 1-based): chr6:56,553,436, G>A on the plus strand (C>T on the coding strand, the complement: DST is on the minus strand). VCF-style: chr6-56553436-G-A. GRCh37 (hg19) VCF-style: chr6-56418234-G-A.
Other names: c.8999C>T, p.Ala3000Val (NM_001144769.5); c.8585C>T, p.Ala2862Val (NM_001144770.2); c.15356C>T, p.Ala5119Val (NM_001374722.1); c.14723C>T, p.Ala4908Val (NM_001374729.1); c.8465C>T, p.Ala2822Val (NM_001374730.1, NM_001386100.1, NM_183380.4); c.15383C>T, p.Ala5128Val (NM_001374734.1); c.7487C>T, p.Ala2496Val (NM_015548.5); short protein forms A2822V, A3000V, A4908V, A5119V, A5128V, A2496V, A2862V.
Identifiers: ClinVar variation 1354526 (VCV001354526.6), dbSNP rs565884147, ClinGen allele CA3867827.

ClinVar aggregate classification (germline): Uncertain significance (1 of 4 stars; one submission).

Conditions:
Epidermolysis bullosa simplex 3, localized or generalized intermediate, with BP230 deficiency (EBS3). Also called: Epidermolysis bullosa simplex due to BP230 deficiency; Epidermolysis bullosa simplex, autosomal recessive 2. Identifiers: Orphanet 412181, MedGen C3809470, MONDO:0014180, OMIM 615425.
Hereditary sensory and autonomic neuropathy type 6. Also called: HSAN VI; Neuropathy, hereditary sensory and autonomic, type VI. Identifiers: Orphanet 314381, MedGen C3539003, MONDO:0013839, OMIM 614653.

Allele frequency attached by ClinVar (database versions not stated): gnomAD exomes below 0.00001 and 0.00001; ExAC 0.00002; TOPMed 0.00006; gnomAD 0.00009; 1000 Genomes Project 30x 0.00016; 1000 Genomes Project 0.00020.
gnomAD v4.1: 18 of 1,604,572 alleles (0.0011%); highest among the groups gnomAD compares: African/African-American, 0.016%; no homozygotes.

Submission:

Labcorp Genetics (formerly Invitae), Labcorp
Classification: Uncertain significance for Epidermolysis bullosa simplex 3, localized or generalized intermediate, with BP230 deficiency; Hereditary sensory and autonomic neuropathy type 6. Last evaluated: 2023-10-03. Review status: criteria provided, single submitter. Criteria: Invitae Variant Classification Sherloc (09022015). Collection method: clinical testing. Allele origin: germline.
Comment: The DST gene has multiple clinically relevant transcripts. This variant occurs in alternate transcript NM_015548.4, and corresponds to NM_001723.5:c.*62081C>T in the primary transcript. This sequence change replaces alanine, which is neutral and non-polar, with valine, which is neutral and non-polar, at codon 2496 of the DST protein (p.Ala2496Val). This variant is present in population databases (rs565884147, gnomAD 0.02%). This variant has not been reported in the literature in individuals affected with DST-related conditions. Experimental studies and prediction algorithms are not available or were not evaluated, and the functional significance of this variant is currently unknown. In summary, the available evidence is currently insufficient to determine the role of this variant in disease. Therefore, it has been classified as a Variant of Uncertain Significance.